The following is an entry in ClinVar:

ClinVar aggregate classification (germline): Uncertain significance (1 of 4 stars; one submission).

Conditions:
Familial thoracic aortic aneurysm and aortic dissection (TAAD). Also called: Thoracic aortic aneurysms and dissections. Identifiers: Orphanet 91387, MedGen C4707243, MONDO:0019625.

Allele frequency attached by ClinVar (database versions not stated): gnomAD exomes below 0.00001.
gnomAD v4.1: 1 of 1,602,326 alleles (0.000062%); highest among the groups gnomAD compares: South Asian, 0.0011%; no homozygotes.

Submission:

All of Us Research Program, National Institutes of Health
Classification: Uncertain significance for Familial thoracic aortic aneurysm and aortic dissection. Last evaluated: 2023-06-26. Review status: criteria provided, single submitter. Criteria: ACMG Guidelines, 2015. Collection method: clinical testing. Allele origin: germline. Inheritance: Autosomal dominant inheritance. Observed: 1 variant allele, 1 heterozygote.
Comment: This missense variant replaces lysine with arginine at codon 370 of the MYH11 protein. Computational prediction suggests that this variant may not impact protein structure and function (internally defined REVEL score threshold <= 0.5, PMID: 27666373). To our knowledge, functional studies have not been reported for this variant. This variant has not been reported in individuals affected with MYH11-related disorders in the literature. This variant has not been identified in the general population by the Genome Aggregation Database (gnomAD). The available evidence is insufficient to determine the role of this variant in disease conclusively. Therefore, this variant is classified as a Variant of Uncertain Significance.

This study involves interpretation of variants in research participants for the purpose of population health screening. Participant phenotype was not available at the time of variant classification. Additional details can be found in publication PMID: 35346344, PMCID: PMC8962531

NM_002474.3(MYH11):c.1088A>G (p.Lys363Arg)

Gene: MYH11 (myosin heavy chain 11; minus strand). Cytogenetic location: 16p13.11.
Variant type: single nucleotide variant.
Coding change: c.1088A>G on transcript NM_002474.3 (MANE Select); coding-DNA position 1088, A replaced by G.
Protein change: p.Lys363Arg; replaces lysine 363 with arginine.
Molecular consequence: missense variant.
Genome position (GRCh38, 1-based): chr16:15,763,837, T>C on the plus strand (A>G on the coding strand, the complement: MYH11 is on the minus strand). VCF-style: chr16-15763837-T-C. GRCh37 (hg19) VCF-style: chr16-15857694-T-C.
Other names: c.1109A>G, p.Lys370Arg (NM_001040113.2, NM_001040114.2); c.1088A>G, p.Lys363Arg (NM_022844.3); short protein forms K363R, K370R.
Identifiers: ClinVar variation 3072160 (VCV003072160.1), dbSNP rs2506445051, ClinGen allele CA394865488.
Genomic context (GRCh38, chr16:15,763,837, plus strand): 5'-AGGAAAAAGTGGCAAGTACCTGTGTTATCTGGCATGGACGCCTGGTCTGTGTTTCTTTCC[T>C]TCTTGAAGACGATATTTCCAAGCTGCAGGACCGATGATACCACCTTCAATATGGCTGAGG-3'
Protein context (NP_002465.1, residues 353-373): VLQLGNIVFK[Lys363Arg]ERNTDQASMP